The following is an entry in ClinVar:

ClinVar aggregate classification (germline): Uncertain significance (1 of 4 stars; one submission).

Conditions:
Charcot-Marie-Tooth disease axonal type 2V. Also called: CHARCOT-MARIE-TOOTH NEUROPATHY, TYPE 2V; CHARCOT-MARIE-TOOTH DISEASE, AXONAL, AUTOSOMAL DOMINANT, TYPE 2V. Identifiers: Orphanet 447964, MedGen C5569050, MONDO:0014665, OMIM 616491.
Mucopolysaccharidosis, MPS-III-B (MPS3B). Also called: MPS IIIB (Sanfilippo Syndrome Type B); N-ACETYL-ALPHA-D-GLUCOSAMINIDASE DEFICIENCY; NAGLU DEFICIENCY; MUCOPOLYSACCHARIDOSIS, TYPE IIIB; Mucopolysaccharidosis type IIIB (Sanfilippo B); SANFILIPPO SYNDROME B. Identifiers: Orphanet 79270, MedGen C0086648, MONDO:0009656, OMIM 252920.

Submission:

Labcorp Genetics (formerly Invitae), Labcorp
Classification: Uncertain significance for Charcot-Marie-Tooth disease axonal type 2V; Mucopolysaccharidosis, MPS-III-B. Last evaluated: 2021-11-27. Review status: criteria provided, single submitter. Criteria: Invitae Variant Classification Sherloc (09022015). Collection method: clinical testing. Allele origin: germline.
Comment: In summary, the available evidence is currently insufficient to determine the role of this variant in disease. Therefore, it has been classified as a Variant of Uncertain Significance. Advanced modeling of protein sequence and biophysical properties (such as structural, functional, and spatial information, amino acid conservation, physicochemical variation, residue mobility, and thermodynamic stability) performed at Invitae indicates that this missense variant is expected to disrupt NAGLU protein function. This sequence change replaces phenylalanine, which is neutral and non-polar, with leucine, which is neutral and non-polar, at codon 731 of the NAGLU protein (p.Phe731Leu). This variant is not present in population databases (gnomAD no frequency). This variant has not been reported in the literature in individuals affected with NAGLU-related conditions.

NM_000263.4(NAGLU):c.2191T>C (p.Phe731Leu)

Gene: NAGLU (N-acetyl-alpha-glucosaminidase; plus strand). Cytogenetic location: 17q21.2.
Variant type: single nucleotide variant.
Coding change: c.2191T>C on transcript NM_000263.4 (MANE Select); coding-DNA position 2191, T replaced by C.
Protein change: p.Phe731Leu; replaces phenylalanine 731 with leucine.
Molecular consequence: missense variant.
Genome position (GRCh38, 1-based): chr17:42,544,197, T>C. VCF-style: chr17-42544197-T-C. GRCh37 (hg19) VCF-style: chr17-40696215-T-C.
Other names: short protein forms F731L.
Identifiers: ClinVar variation 1385338 (VCV001385338.6), dbSNP rs760180817, ClinGen allele CA399606385.